The following is an entry in ClinVar:

NM_015909.4(NBAS):c.6859G>T (p.Asp2287Tyr)

Gene: NBAS (NBAS subunit of NRZ tethering complex; minus strand). Cytogenetic location: 2p24.3.
Variant type: single nucleotide variant.
Coding change: c.6859G>T on transcript NM_015909.4 (MANE Select); coding-DNA position 6859, G replaced by T.
Protein change: p.Asp2287Tyr; replaces aspartic acid 2287 with tyrosine.
Molecular consequence: missense variant. On other transcripts: non-coding transcript variant (1).
Genome position (GRCh38, 1-based): chr2:15,167,305, C>A on the plus strand (G>T on the coding strand, the complement: NBAS is on the minus strand). VCF-style: chr2-15167305-C-A. GRCh37 (hg19) VCF-style: chr2-15307429-C-A.
Other names: short protein forms D2287Y.
Identifiers: ClinVar variation 2574489 (VCV002574489.1), dbSNP rs1208934708, ClinGen allele CA345912288.

ClinVar aggregate classification (germline): Likely pathogenic (1 of 4 stars; one submission).

Submission:

GeneDx
Classification: Likely pathogenic. Last evaluated: 2023-01-27. Review status: criteria provided, single submitter. Criteria: GeneDx Variant Classification Process June 2021. Collection method: clinical testing. Allele origin: germline. Affected: yes.
Comment: Not observed at significant frequency in large population cohorts (gnomAD); In silico analysis supports that this missense variant has a deleterious effect on protein structure/function; This variant is associated with the following publications: (PMID: 32812336)